The following is an entry in ClinVar:

ClinVar aggregate classification (germline): Conflicting classifications of pathogenicity. Review status: criteria provided, conflicting classifications (1 of 4 stars). 3 submissions from 3 submitters: Uncertain significance (2); Likely benign (1). Last evaluated 2024-08-22.

Conditions:
Hereditary cancer-predisposing syndrome. Also called: Neoplastic Syndromes, Hereditary; Tumor predisposition; Hereditary Cancer Syndrome; Hereditary neoplastic syndrome. Identifiers: Orphanet 140162, MedGen C0027672, MeSH D009386, MONDO:0015356.
Hereditary breast ovarian cancer syndrome. Also called: Hereditary breast and ovarian cancer syndrome (HBOC); Hereditary breast and ovarian cancer; BRCA1- and BRCA2-Associated Hereditary Breast and Ovarian Cancer; Hereditary breast and ovarian cancer syndrome; Breast and ovarian cancer; Hereditary breast and/or ovarian cancer syndrome. Identifiers: Orphanet 145, MedGen C0677776, MeSH D061325, MONDO:0003582. Disease mechanism: loss of function.

Submissions (3):

Labcorp Genetics (formerly Invitae), Labcorp
Classification: Uncertain significance for Hereditary breast ovarian cancer syndrome. Last evaluated: 2024-08-22. Review status: criteria provided, single submitter. Criteria: Invitae Variant Classification Sherloc (09022015). Collection method: clinical testing. Allele origin: germline.
Comment: This sequence change replaces lysine, which is basic and polar, with threonine, which is neutral and polar, at codon 2124 of the BRCA2 protein (p.Lys2124Thr). This variant is not present in population databases (gnomAD no frequency). This variant has not been reported in the literature in individuals affected with BRCA2-related conditions. ClinVar contains an entry for this variant (Variation ID: 1753122). Invitae Evidence Modeling of protein sequence and biophysical properties (such as structural, functional, and spatial information, amino acid conservation, physicochemical variation, residue mobility, and thermodynamic stability) indicates that this missense variant is not expected to disrupt BRCA2 protein function with a negative predictive value of 95%. In summary, the available evidence is currently insufficient to determine the role of this variant in disease. Therefore, it has been classified as a Variant of Uncertain Significance.

University of Washington Department of Laboratory Medicine, University of Washington
Classification: Likely benign for Hereditary cancer-predisposing syndrome. Last evaluated: 2023-03-23. Review status: criteria provided, single submitter. Criteria: Dines et al. (Genet Med. 2020). Collection method: curation. Allele origin: germline.
Comment: Missense variant in a coldspot region where missense variants are very unlikely to be pathogenic (PMID:31911673).

BRCA2 exon 11 coldspot. Reclassification based on statistical prior probability.

Ambry Genetics
Classification: Uncertain significance for Hereditary cancer-predisposing syndrome. Last evaluated: 2018-08-17. Review status: criteria provided, single submitter. Criteria: Ambry Variant Classification Scheme 2023. Collection method: clinical testing. Allele origin: germline.
Comment: The p.K2124T variant (also known as c.6371A>C), located in coding exon 10 of the BRCA2 gene, results from an A to C substitution at nucleotide position 6371. The lysine at codon 2124 is replaced by threonine, an amino acid with similar properties. This amino acid position is not well conserved in available vertebrate species. In addition, this alteration is predicted to be tolerated by in silico analysis. Since supporting evidence is limited at this time, the clinical significance of this alteration remains unclear.

NM_000059.4(BRCA2):c.6371A>C (p.Lys2124Thr)

Gene: BRCA2 (BRCA2 DNA repair associated; plus strand). Cytogenetic location: 13q13.1.
Variant type: single nucleotide variant.
Coding change: c.6371A>C on transcript NM_000059.4 (MANE Select); coding-DNA position 6371, A replaced by C.
Protein change: p.Lys2124Thr; replaces lysine 2124 with threonine.
Molecular consequence: missense variant.
Genome position (GRCh38, 1-based): chr13:32,340,726, A>C. VCF-style: chr13-32340726-A-C. GRCh37 (hg19) VCF-style: chr13-32914863-A-C.
Other names: c.6371A>C, p.Lys2124Thr (NM_001406719.1, NM_001406720.1); short protein forms K2124T.
Identifiers: ClinVar variation 1753122 (VCV001753122.7), dbSNP rs2137526799, ClinGen allele CA387789172.